The following is an entry in ClinVar:

NM_001267550.2(TTN):c.79175del (p.Ser26392fs)

Genes: TTN (titin; minus strand), TTN-AS1 (TTN antisense RNA 1; plus strand). Cytogenetic location: 2q31.2.
Variant type: Deletion.
Coding change: c.79175del on transcript NM_001267550.2 (MANE Select); coding-DNA position 79175, one base deleted (G; older notation c.79175delG).
Protein change: p.Ser26392fs; shifts the reading frame from serine 26392.
Molecular consequence: frameshift variant.
Genome position (GRCh38, 1-based): chr2:178,566,957, C deleted on the plus strand (G on the coding strand, the reverse complement: TTN is on the minus strand). VCF-style (leftmost placement, unchanged base first): chr2-178566956-GC-G. GRCh37 (hg19) VCF-style: chr2-179431683-GC-G.
Other names: c.74252del, p.Ser24751fs (NM_001256850.1); c.51980del, p.Ser17327fs (NM_003319.4); c.71471del, p.Ser23824fs (NM_133378.4); c.52355del, p.Ser17452fs (NM_133432.3); c.52556del, p.Ser17519fs (NM_133437.4); short protein forms S17452fs, S24751fs, S23824fs, S17327fs, S17519fs, S26392fs.
Identifiers: ClinVar variation 1490328 (VCV001490328.8), dbSNP rs1706104379, ClinGen allele CA1310529721.

ClinVar aggregate classification (germline): Likely pathogenic (1 of 4 stars; one submission).

Conditions:
Dilated cardiomyopathy 1G (CMD1G). Identifiers: Orphanet 154, MedGen C1858763, MONDO:0011400, OMIM 604145.
Autosomal recessive limb-girdle muscular dystrophy type 2J (LGMDR10). Also called: Limb-girdle muscular dystrophy, type 2J; MUSCULAR DYSTROPHY, LIMB-GIRDLE, AUTOSOMAL RECESSIVE 10. Identifiers: Orphanet 140922, MedGen C1837342, MONDO:0012127, OMIM 608807.

Allele frequency attached by ClinVar (database versions not stated): TOPMed below 0.00001.

Submission:

Labcorp Genetics (formerly Invitae), Labcorp
Classification: Likely pathogenic for Dilated cardiomyopathy 1G; Autosomal recessive limb-girdle muscular dystrophy type 2J. Last evaluated: 2025-08-09. Review status: criteria provided, single submitter. Criteria: Invitae Variant Classification Sherloc (09022015). Collection method: clinical testing. Allele origin: germline.
Comment: This sequence change creates a premature translational stop signal (p.Ser26392Thrfs*12) in the TTN gene. While this is not anticipated to result in nonsense mediated decay, it is expected to create a truncated TTN protein. This variant is not present in population databases (gnomAD no frequency). This premature translational stop signal has been observed in individual(s) with dilated cardiomyopathy (internal data). ClinVar contains an entry for this variant (Variation ID: 1490328). This variant is located in the A band of TTN (PMID: 25589632). Truncating variants in this region are significantly overrepresented in patients affected with dilated cardiomyopathy (PMID: 25589632). Truncating variants in this region have also been reported in individuals affected with autosomal recessive centronuclear myopathy (PMID: 23975875). In summary, the currently available evidence indicates that the variant is pathogenic, but additional data are needed to prove that conclusively. Therefore, this variant has been classified as Likely Pathogenic.

Literature cited by the submitters: PubMed 25589632; PubMed 23975875.